The following is an entry in ClinVar:

NM_001042492.3(NF1):c.7870-5_7886delinsTC

Gene: NF1 (neurofibromin 1; plus strand). Cytogenetic location: 17q11.2.
Variant type: Indel.
Coding change: c.7870-5_7886delinsTC on transcript NM_001042492.3 (MANE Select); 5 bases into the intron before coding-DNA position 7870 through coding-DNA position 7886, GGCAGGCTACACTGGTAAAATA replaced by TC.
Molecular consequence: splice acceptor variant.
Genome position (GRCh38, 1-based): chr17:31,357,264-31,357,285, GGCAGGCTACACTGGTAAAATA replaced by TC. VCF-style: chr17-31357264-GGCAGGCTACACTGGTAAAATA-TC. GRCh37 (hg19) VCF-style: chr17-29684282-GGCAGGCTACACTGGTAAAATA-TC.
Other names: c.7807-5_7823delinsTC (NM_000267.4).
Identifiers: ClinVar variation 4530427 (VCV004530427.1).

ClinVar aggregate classification (somatic clinical impact): Tier I - Strong (1 of 4 stars; one submission).

Conditions:
IDH-wildtype glioblastoma. Identifiers: MedGen CN372125, MONDO:0850335.

Submission:

Institute for Genomic Medicine (IGM) Clinical Laboratory, Nationwide Children's Hospital
Classification: Tier I - Strong for IDH-wildtype glioblastoma. Assertion type: diagnostic. Clinical significance: supports diagnosis. Last evaluated: 2025-10-14. Review status: criteria provided, single submitter. Criteria: AMP/ASCO/CAP Guidelines, 2017. Collection method: clinical testing. Allele origin: somatic. Affected: yes.
Comment: Variant has Tier I (strong) clinical significance as a diagnostic inclusion criterion in IDH-wildtype glioblastoma, based on the following evidence: 1) Diagnostic for a specific tumor type/classification based on well-powered studies with expert-level consensus (Evidence Level B; PMIDs: 24120142, 26919320, 29802247, 32642724, 34952640).

Literature cited by the submitters: PubMed 24120142; PubMed 26919320; PubMed 29802247; PubMed 32642724; PubMed 34952640.